The following is an entry in ClinVar:

NM_001384732.1(CPLANE1):c.9493_9516dup (p.Glu3165_Ser3172dup)

Gene: CPLANE1 (ciliogenesis and planar polarity effector complex subunit 1; minus strand). Cytogenetic location: 5p13.2.
Variant type: Duplication.
Coding change: c.9493_9516dup on transcript NM_001384732.1 (MANE Select); coding-DNA positions 9493 to 9516, 24 bases duplicated (GAAAGAGAGGAGACTGTGGTGAGT).
Protein change: p.Glu3165_Ser3172dup.
Molecular consequence: inframe insertion.
Genome position (GRCh38, 1-based): chr5:37,108,356-37,108,379, ACTCACCACAGTCTCCTCTCTTTC duplicated on the plus strand (GAAAGAGAGGAGACTGTGGTGAGT on the coding strand, the reverse complement: CPLANE1 is on the minus strand); duplicating any 24 consecutive bases within chr5:37,108,356-37,108,380 gives the same sequence; the c. name uses the placement nearest the transcript's 3' end. VCF-style (leftmost placement, unchanged base first): chr5-37108355-G-GACTCACCACAGTCTCCTCTCTTTC. GRCh37 (hg19) VCF-style: chr5-37108457-G-GACTCACCACAGTCTCCTCTCTTTC.
Other names: c.9331_9354dup, p.Glu3111_Ser3118dup (NM_023073.4).
Identifiers: ClinVar variation 1384797 (VCV001384797.5), dbSNP rs2149857911, ClinGen allele CA2573139693.

ClinVar aggregate classification (germline): Uncertain significance (1 of 4 stars; one submission).

Submission:

Labcorp Genetics (formerly Invitae), Labcorp
Classification: Uncertain significance. Last evaluated: 2022-08-16. Review status: criteria provided, single submitter. Criteria: Invitae Variant Classification Sherloc (09022015). Collection method: clinical testing. Allele origin: germline.
Comment: This variant, c.9331_9354dup, results in the insertion of 8 amino acid(s) of the CPLANE1 protein (p.Glu3111_Ser3118dup), but otherwise preserves the integrity of the reading frame. This variant is not present in population databases (gnomAD no frequency). This variant has not been reported in the literature in individuals affected with CPLANE1-related conditions. ClinVar contains an entry for this variant (Variation ID: 1384797). Algorithms developed to predict the effect of sequence changes on RNA splicing suggest that this variant may create or strengthen a splice site. In summary, the available evidence is currently insufficient to determine the role of this variant in disease. Therefore, it has been classified as a Variant of Uncertain Significance.